The following is an entry in ClinVar:

ClinVar aggregate classification (germline): Likely benign. Review status: criteria provided, multiple submitters, no conflicts (2 of 4 stars). 2 submissions from 2 submitters: Likely benign (2). Last evaluated 2024-12-20.

Allele frequency attached by ClinVar (database versions not stated): gnomAD exomes 0.00086 and 0.00037; ExAC 0.00111; gnomAD 0.00364 and 0.00338; ESP Exome Variant Server 0.00369; TOPMed 0.00374; 1000 Genomes Project 30x 0.00406; 1000 Genomes Project 0.00439.
gnomAD v4.1: 916 of 1,157,108 alleles (0.079%); highest among the groups gnomAD compares: African/African-American, 1.2%; 5 homozygotes.

Submissions (2):

Mayo Clinic Laboratories, Mayo Clinic
Classification: Likely benign. Last evaluated: 2024-12-20. Review status: criteria provided, single submitter. Criteria: ACMG Guidelines, 2015. Collection method: clinical testing. Allele origin: germline. Observed: 5 variant alleles.
Comment: BS1, BP4

GeneDx
Classification: Likely benign. Last evaluated: 2019-02-04. Review status: criteria provided, single submitter. Criteria: GeneDx Variant Classification Process June 2021. Collection method: clinical testing. Allele origin: germline. Affected: yes.

NM_000182.5(HADHA):c.1393-24T>C

Genes: GAREM2 (GRB2 associated regulator of MAPK1 subtype 2; plus strand), HADHA (hydroxyacyl-CoA dehydrogenase trifunctional multienzyme complex subunit alpha; minus strand). Cytogenetic location: 2p23.3.
Variant type: single nucleotide variant.
Coding change: c.1393-24T>C on transcript NM_000182.5 (MANE Select); 24 bases into the intron before coding-DNA position 1393, T replaced by C.
Molecular consequence: intron variant.
Genome position (GRCh38, 1-based): chr2:26,197,801, A>G on the plus strand (T>C on the coding strand, the complement: HADHA is on the minus strand). VCF-style: chr2-26197801-A-G. GRCh37 (hg19) VCF-style: chr2-26420670-A-G.
Other names: p.?.
Identifiers: ClinVar variation 1189449 (VCV001189449.3), dbSNP rs77141401, ClinGen allele CA1559596.